The following is an entry in ClinVar:

ClinVar aggregate classification (germline): Uncertain significance. Review status: criteria provided, multiple submitters, no conflicts (2 of 4 stars). 2 submissions from 2 submitters: Uncertain significance (2). Last evaluated 2025-01-02.

Conditions:
Fanconi anemia (FA). Also called: Fanconi's anemia. Identifiers: Orphanet 84, MedGen C0015625, MeSH D005199, MONDO:0019391.

Allele frequency attached by ClinVar (database versions not stated): TOPMed below 0.00001; gnomAD 0.00001.
gnomAD v4.1: 8 of 1,612,860 alleles (0.0005%); highest among the groups gnomAD compares: Middle Eastern, 0.016%; no homozygotes.

Submissions (2):

GeneDx
Classification: Uncertain significance. Last evaluated: 2025-01-02. Review status: criteria provided, single submitter. Criteria: GeneDx Variant Classification Process June 2021. Collection method: clinical testing. Allele origin: germline. Affected: yes.
Comment: Not observed at significant frequency in large population cohorts (gnomAD); In silico analysis indicates that this missense variant does not alter protein structure/function; Has not been previously published as pathogenic or benign to our knowledge

Labcorp Genetics (formerly Invitae), Labcorp
Classification: Uncertain significance for Fanconi anemia. Last evaluated: 2022-06-16. Review status: criteria provided, single submitter. Criteria: Invitae Variant Classification Sherloc (09022015). Collection method: clinical testing. Allele origin: germline.
Comment: This sequence change replaces proline, which is neutral and non-polar, with arginine, which is basic and polar, at codon 78 of the FANCL protein (p.Pro78Arg). This variant is not present in population databases (gnomAD no frequency). This variant has not been reported in the literature in individuals affected with FANCL-related conditions. Algorithms developed to predict the effect of missense changes on protein structure and function are either unavailable or do not agree on the potential impact of this missense change (SIFT: "Tolerated"; PolyPhen-2: "Possibly Damaging"; Align-GVGD: "Class C0"). In summary, the available evidence is currently insufficient to determine the role of this variant in disease. Therefore, it has been classified as a Variant of Uncertain Significance.

NM_018062.4(FANCL):c.233C>G (p.Pro78Arg)

Gene: FANCL (FA complementation group L; minus strand). Cytogenetic location: 2p16.1.
Variant type: single nucleotide variant.
Coding change: c.233C>G on transcript NM_018062.4 (MANE Select); coding-DNA position 233, C replaced by G.
Protein change: p.Pro78Arg; replaces proline 78 with arginine.
Molecular consequence: missense variant.
Genome position (GRCh38, 1-based): chr2:58,226,768, G>C on the plus strand (C>G on the coding strand, the complement: FANCL is on the minus strand). VCF-style: chr2-58226768-G-C. GRCh37 (hg19) VCF-style: chr2-58453903-G-C.
Other names: c.233C>G, p.Pro78Arg (NM_001114636.2, NM_001374615.1, NM_001410792.1); short protein forms P78R.
Identifiers: ClinVar variation 2199165 (VCV002199165.2), dbSNP rs746508342, ClinGen allele CA48734959.
Genomic context (GRCh38, chr2:58,226,768, plus strand): 5'-GAAAAAAAAAAAATTCTTACCAAAAGCATCTTCAACTCCATCATAAAGCTCATTAGATCA[G>C]GAGAGTGCTGCATTCTCTAGATCAAAATATTTCCAATTAATTTCATTTGCACAATAAATA-3'
Protein context (NP_060532.2, residues 68-88): RIVQQRMQHS[Pro78Arg]DLMSFMMELK